The following is an entry in ClinVar:

ClinVar aggregate classification (germline): Uncertain significance (1 of 4 stars; one submission).

Allele frequency attached by ClinVar (database versions not stated): gnomAD exomes below 0.00001.
gnomAD v4.1: 1 of 1,587,704 alleles (0.000063%); highest among the groups gnomAD compares: Non-Finnish European, 0.000086%; no homozygotes.

Submission:

Ambry Genetics
Classification: Uncertain significance. Last evaluated: 2024-10-28. Review status: criteria provided, single submitter. Criteria: Ambry Variant Classification Scheme 2023. Collection method: clinical testing. Allele origin: germline.
Comment: The p.E2K variant (also known as c.4G>A), located in coding exon 1 of the FAM175A gene, results from a G to A substitution at nucleotide position 4. The glutamic acid at codon 2 is replaced by lysine, an amino acid with similar properties. This amino acid position is conserved. In addition, the in silico prediction for this alteration is inconclusive. Since supporting evidence is limited at this time, the clinical significance of this alteration remains unclear.

NM_139076.3(ABRAXAS1):c.4G>A (p.Glu2Lys)

Genes: ABRAXAS1 (abraxas 1, BRCA1 A complex subunit; minus strand), LOC129992784 (ATAC-STARR-seq lymphoblastoid silent region 15542; plus strand). Cytogenetic location: 4q21.23.
Variant type: single nucleotide variant.
Coding change: c.4G>A on transcript NM_139076.3 (MANE Select); coding-DNA position 4, G replaced by A.
Protein change: p.Glu2Lys; replaces glutamic acid 2 with lysine.
Molecular consequence: missense variant. On other transcripts: 5 prime UTR variant (1).
Genome position (GRCh38, 1-based): chr4:83,485,069, C>T on the plus strand (G>A on the coding strand, the complement: ABRAXAS1 is on the minus strand). VCF-style: chr4-83485069-C-T. GRCh37 (hg19) VCF-style: chr4-84406222-C-T.
Other names: c.-257G>A (NM_001345962.2); short protein forms E2K.
Identifiers: ClinVar variation 1800379 (VCV001800379.3), dbSNP rs2529473160, ClinGen allele CA357264133.
Genomic context (GRCh38, chr4:83,485,069, plus strand): 5'-GCTGGAAAGCGAGTGCGCCGAGCACAAAGCCCGAGAGCACCGCCGACGTACTCTCCCCCT[C>T]CATGCTACCGCCGCCTCAGGCTACACAAGAGGACGAGGGCGGGGCGCGCGGAGGCAAGAC-3'
Protein context (NP_620775.2, residues 1-12): M[Glu2Lys]GESTSAVLSG